The following is an entry in ClinVar:

NM_000138.5(FBN1):c.272A>G (p.Asp91Gly)

Gene: FBN1 (fibrillin 1; minus strand). Cytogenetic location: 15q21.1.
Variant type: single nucleotide variant.
Coding change: c.272A>G on transcript NM_000138.5 (MANE Select); coding-DNA position 272, A replaced by G.
Protein change: p.Asp91Gly; replaces aspartic acid 91 with glycine.
Molecular consequence: missense variant.
Genome position (GRCh38, 1-based): chr15:48,610,802, T>C on the plus strand (A>G on the coding strand, the complement: FBN1 is on the minus strand). VCF-style: chr15-48610802-T-C. GRCh37 (hg19) VCF-style: chr15-48902999-T-C.
Other names: c.272A>G, p.Asp91Gly (NM_001406716.1, NM_001406717.1); short protein forms D91G.
Identifiers: ClinVar variation 4529549 (VCV004529549.1).
Genomic context (GRCh38, chr15:48,610,802, plus strand): 5'-CAGGAAGGAGCTATCTGACCAGATGGGCAAGTGCACATATTTGGCCTCGAACAAAATCCA[T>C]CCCCACAGGAATGCCGGCAAATGGCTGTGAATAAACCAGAGGTCTGTTAGCACATGGATT-3'
Protein context (NP_000129.3, residues 81-101): IVPICRHSCG[Asp91Gly]GFCSRPNMCT

ClinVar aggregate classification (germline): Uncertain significance (1 of 4 stars; one submission).

Submission:

GeneDx
Classification: Uncertain significance. Last evaluated: 2025-05-16. Review status: criteria provided, single submitter. Criteria: GeneDx Variant Classification Process June 2021. Collection method: clinical testing. Allele origin: germline. Affected: yes.
Comment: Not observed at significant frequency in large population cohorts (gnomAD); In silico analysis supports that this missense variant has a deleterious effect on protein structure/function; Has not been previously published as pathogenic or benign to our knowledge; In silico analysis is inconclusive as to whether the variant alters gene splicing. In the absence of RNA/functional studies, the actual effect of this sequence change is unknown.; Does not affect a cysteine or calcium-binding residue within an EGF-like domain or a TGF-binding protein domain of the FBN1 gene; cysteine substitutions in the EGF-like domains represent the majority of pathogenic missense changes associated with FBN1-related disorders (PMID: 12938084)